The following is an entry in ClinVar:

ClinVar aggregate classification (germline): Uncertain significance. Review status: criteria provided, multiple submitters, no conflicts (2 of 4 stars). 2 submissions from 2 submitters: Uncertain significance (2). Last evaluated 2025-06-29.

Conditions:
Inborn genetic diseases. Identifiers: MedGen C0950123, MeSH D030342.

gnomAD v4.1: 92 of 1,609,098 alleles (0.0057%); highest among the groups gnomAD compares: African/African-American, 0.041%; no homozygotes.

Submissions (2):

Ambry Genetics
Classification: Uncertain significance for Inborn genetic diseases. Last evaluated: 2025-06-29. Review status: criteria provided, single submitter. Criteria: Ambry Variant Classification Scheme 2023. Collection method: clinical testing. Allele origin: germline.

Labcorp Genetics (formerly Invitae), Labcorp
Classification: Uncertain significance. Last evaluated: 2023-12-11. Review status: criteria provided, single submitter. Criteria: Invitae Variant Classification Sherloc (09022015). Collection method: clinical testing. Allele origin: germline.
Comment: This sequence change replaces arginine, which is basic and polar, with cysteine, which is neutral and slightly polar, at codon 2976 of the SPEG protein (p.Arg2976Cys). This variant is present in population databases (rs200796349, gnomAD 0.05%). This variant has not been reported in the literature in individuals affected with SPEG-related conditions. ClinVar contains an entry for this variant (Variation ID: 1409447). An algorithm developed to predict the effect of missense changes on protein structure and function (PolyPhen-2) suggests that this variant is likely to be disruptive. In summary, the available evidence is currently insufficient to determine the role of this variant in disease. Therefore, it has been classified as a Variant of Uncertain Significance.

NM_005876.5(SPEG):c.8926C>T (p.Arg2976Cys)

Genes: ASIC4-AS1 (ASIC4 antisense RNA 1; minus strand), SPEG (striated muscle enriched protein kinase; plus strand). Cytogenetic location: 2q35.
Variant type: single nucleotide variant.
Coding change: c.8926C>T on transcript NM_005876.5 (MANE Select); coding-DNA position 8926, C replaced by T.
Protein change: p.Arg2976Cys; replaces arginine 2976 with cysteine.
Molecular consequence: missense variant.
Genome position (GRCh38, 1-based): chr2:219,490,413, C>T. VCF-style: chr2-219490413-C-T. GRCh37 (hg19) VCF-style: chr2-220355135-C-T.
Other names: c.8926C>T (NM_005876.4); short protein forms R2976C.
Identifiers: ClinVar variation 1409447 (VCV001409447.6), dbSNP rs200796349, ClinGen allele CA2127615.